The following is an entry in ClinVar:

NM_001005361.3(DNM2):c.1215C>T (p.Pro405=)

Gene: DNM2 (dynamin 2; plus strand). Cytogenetic location: 19p13.2.
Variant type: single nucleotide variant.
Coding change: c.1215C>T on transcript NM_001005361.3 (MANE Select); coding-DNA position 1215, C replaced by T.
Protein change: p.Pro405=; no amino-acid change (proline 405 retained).
Molecular consequence: synonymous variant. On other transcripts: intron variant (3).
Genome position (GRCh38, 1-based): chr19:10,797,398, C>T. VCF-style: chr19-10797398-C-T. GRCh37 (hg19) VCF-style: chr19-10908074-C-T.
Other names: c.1215C>T, p.Pro405= (NM_001005362.3); c.1336-1088C>T (NM_001005360.3, NM_001190716.2, NM_004945.4).
Identifiers: ClinVar variation 2498752 (VCV002498752.29), dbSNP rs546498406, ClinGen allele CA9201072.
Genomic context (GRCh38, chr19:10,797,398, plus strand): 5'-CTGGGTGTCTTTCTGCCTCATCCTGCCCTCCGCATGACCCAGGACGGGGCTCTTCACCCC[C>T]GACATGGCCTTTGAAGCCATTGTGAAAAAACAGATTGTAAAACTCAAAGAGCCGAGTTTG-3'
Protein context (NP_001005361.1, residues 395-415): IHGVRTGLFT[Pro405=]DMAFEAIVKK

ClinVar aggregate classification (germline): Likely benign. Review status: criteria provided, multiple submitters, no conflicts (2 of 4 stars). 2 submissions from 2 submitters: Likely benign (2). Last evaluated 2025-07-11.

Allele frequency attached by ClinVar (database versions not stated): TOPMed 0.00005; gnomAD 0.00006; ExAC 0.00007; gnomAD exomes 0.00013; 1000 Genomes Project 30x 0.00016; 1000 Genomes Project 0.00020.
gnomAD v4.1: 191 of 1,613,118 alleles (0.012%); highest among the groups gnomAD compares: East Asian, 0.053%; no homozygotes.

Submissions (2):

Women's Health and Genetics/Laboratory Corporation of America, LabCorp
Classification: Likely benign. Last evaluated: 2025-07-11. Review status: criteria provided, single submitter. Criteria: LabCorp Variant Classification Summary - May 2015. Collection method: clinical testing. Allele origin: germline.
Comment: Variant summary: DNM2 c.1336-1088C>T is located at a position not widely known to affect splicing. This variant is also known as c.1215C>T (p.Pro405=) in NM_001005361.2. Consensus agreement among computation tools predict no significant impact on normal splicing in either transcript. However, these predictions have yet to be confirmed by functional studies. The variant allele was found at a frequency of 6.4e-05 in 251064 control chromosomes. This frequency is not significantly higher than estimated for a pathogenic variant in DNM2 causing DNM2-Related Disorders, allowing no conclusion about variant significance. To our knowledge, no occurrence of c.1336-1088C>T in individuals affected with DNM2-Related Disorders and no experimental evidence demonstrating its impact on protein function have been reported. ClinVar contains an entry for this variant (Variation ID: 2498752). Based on the evidence outlined above, the variant was classified as likely benign.

CeGaT Center for Human Genetics Tuebingen
Classification: Likely benign. Last evaluated: 2023-02-01. Review status: criteria provided, single submitter. Criteria: CeGaT Center For Human Genetics Tuebingen Variant Classification Criteria Version 2. Collection method: clinical testing. Allele origin: germline. Affected: yes. Observed: 1 variant allele.
Comment: DNM2: BP4, BP7